The following is an entry in ClinVar:

ClinVar aggregate classification (germline): Uncertain significance. Review status: criteria provided, multiple submitters, no conflicts (2 of 4 stars). 3 submissions from 3 submitters: Uncertain significance (3). Last evaluated 2024-06-06.

Conditions:
Inborn genetic diseases. Identifiers: MedGen C0950123, MeSH D030342.

Allele frequency attached by ClinVar (database versions not stated): TOPMed 0.00005; gnomAD 0.00006 and 0.00007; gnomAD exomes 0.00006 and 0.00008; ExAC 0.00011; 1000 Genomes Project 30x 0.00016; 1000 Genomes Project 0.00020; ESP Exome Variant Server 0.00023.
gnomAD v4.1: 91 of 1,613,892 alleles (0.0056%); highest among the groups gnomAD compares: Non-Finnish European, 0.0073%; no homozygotes.

Submissions (3):

Blueprint Genetics
Classification: Uncertain significance. Last evaluated: 2024-06-06. Review status: criteria provided, single submitter. Criteria: ACMG Guidelines, 2015. Collection method: clinical testing. Allele origin: germline.

Labcorp Genetics (formerly Invitae), Labcorp
Classification: Uncertain significance. Last evaluated: 2021-09-24. Review status: criteria provided, single submitter. Criteria: Invitae Variant Classification Sherloc (09022015). Collection method: clinical testing. Allele origin: germline.
Comment: This sequence change replaces histidine with arginine at codon 44 of the PCK1 protein (p.His44Arg). The histidine residue is highly conserved and there is a small physicochemical difference between histidine and arginine. This variant is present in population databases (rs144360449, ExAC 0.02%). This variant has not been reported in the literature in individuals with PCK1-related conditions. Algorithms developed to predict the effect of missense changes on protein structure and function are either unavailable or do not agree on the potential impact of this missense change (SIFT: "Deleterious"; PolyPhen-2: "Possibly Damaging"; Align-GVGD: "Class C0"). In summary, the available evidence is currently insufficient to determine the role of this variant in disease. Therefore, it has been classified as a Variant of Uncertain Significance.

Ambry Genetics
Classification: Uncertain significance for Inborn genetic diseases. Last evaluated: 2020-11-19. Review status: criteria provided, single submitter. Criteria: Ambry Variant Classification Scheme 2023. Collection method: clinical testing. Allele origin: germline.
Comment: The c.131A>G (p.H44R) alteration is located in exon 2 (coding exon 1) of the PCK1 gene. This alteration results from an A to G substitution at nucleotide position 131, causing the histidine (H) at amino acid position 44 to be replaced by an arginine (R). Based on data from the Genome Aggregation Database (gnomAD) database, the PCK1 c.131A>G alteration was observed in 0.008% (22/282728) of total alleles studied, with a frequency of 0.015% (19/129122) in the European (non-Finnish) subpopulation. This amino acid position is highly conserved in available vertebrate species. The p.H44R alteration is predicted to be tolerated by in silico analysis. Based on insufficient or conflicting evidence, the clinical significance of this alteration remains unclear.

NM_002591.4(PCK1):c.131A>G (p.His44Arg)

Gene: PCK1 (phosphoenolpyruvate carboxykinase 1; plus strand). Cytogenetic location: 20q13.31.
Variant type: single nucleotide variant.
Coding change: c.131A>G on transcript NM_002591.4 (MANE Select); coding-DNA position 131, A replaced by G.
Protein change: p.His44Arg; replaces histidine 44 with arginine.
Molecular consequence: missense variant.
Genome position (GRCh38, 1-based): chr20:57,561,542, A>G. VCF-style: chr20-57561542-A-G. GRCh37 (hg19) VCF-style: chr20-56136598-A-G.
Other names: c.131A>G (NM_002591.3); short protein forms H44R.
Identifiers: ClinVar variation 1423014 (VCV001423014.7), dbSNP rs144360449, ClinGen allele CA9921902.
Genomic context (GRCh38, chr20:57,561,542, plus strand): 5'-CCCAGGCAGTGAGGGAGTTTCTCGAGAATAACGCTGAGCTGTGTCAGCCTGATCACATCC[A>G]CATCTGTGACGGCTCTGAGGAGGAGAATGGGCGGCTTCTGGGCCAGATGGAGGAAGAGGG-3'
Protein context (NP_002582.3, residues 34-54): NAELCQPDHI[His44Arg]ICDGSEEENG